The following is an entry in ClinVar:

NM_024422.6(DSC2):c.697A>G (p.Ile233Val)

Gene: DSC2 (desmocollin 2; minus strand). Cytogenetic location: 18q12.1.
Variant type: single nucleotide variant.
Coding change: c.697A>G on transcript NM_024422.6 (MANE Select); coding-DNA position 697, A replaced by G.
Protein change: p.Ile233Val; replaces isoleucine 233 with valine.
Molecular consequence: missense variant.
Genome position (GRCh38, 1-based): chr18:31,087,747, T>C on the plus strand (A>G on the coding strand, the complement: DSC2 is on the minus strand). VCF-style: chr18-31087747-T-C. GRCh37 (hg19) VCF-style: chr18-28667710-T-C.
Other names: c.697A>G, p.Ile233Val (NM_004949.5); short protein forms I233V.
Identifiers: ClinVar variation 264192 (VCV000264192.8), dbSNP rs886039077, ClinGen allele CA10587909.
Genomic context (GRCh38, chr18:31,087,747, plus strand): 5'-AAATTGTAAAAGTATAAGTTTCTTCTGTAAAAATTGGGTAGTTATCATTTTCATCCTCTA[T>C]TTTGATTATTAGGGGCAGTGGAAGTTCTGGAGTATACCCATCTGGAGTTGTTGCAAAGGC-3'
Protein context (NP_077740.1, residues 223-243): PELPLPLIIK[Ile233Val]EDENDNYPIF

ClinVar aggregate classification (germline): Uncertain significance. Review status: criteria provided, multiple submitters, no conflicts (2 of 4 stars). 2 submissions from 2 submitters: Uncertain significance (2). Last evaluated 2023-05-12.

Conditions:
Cardiovascular phenotype. Identifiers: MedGen CN230736.
Arrhythmogenic right ventricular dysplasia 11. Also called: Arrhythmogenic Right Ventricular Dysplasia/Cardiomyopathy11; ARRHYTHMOGENIC RIGHT VENTRICULAR DYSPLASIA, FAMILIAL, 11; Arrhythmogenic right ventricular dysplasia 11 with mild palmoplantar keratoderma and woolly hair. Identifiers: MedGen C1864850, MONDO:0012506, OMIM 610476.

Allele frequency attached by ClinVar (database versions not stated): gnomAD exomes below 0.00001; gnomAD 0.00001.
gnomAD v4.1: 2 of 1,613,754 alleles (0.00012%); highest among the groups gnomAD compares: Non-Finnish European, 0.00017%; no homozygotes.

Submissions (2):

Labcorp Genetics (formerly Invitae), Labcorp
Classification: Uncertain significance for Arrhythmogenic right ventricular dysplasia 11. Last evaluated: 2023-05-12. Review status: criteria provided, single submitter. Criteria: Invitae Variant Classification Sherloc (09022015). Collection method: clinical testing. Allele origin: germline.
Comment: This variant is present in population databases (no rsID available, gnomAD 0.002%). In summary, the available evidence is currently insufficient to determine the role of this variant in disease. Therefore, it has been classified as a Variant of Uncertain Significance. Advanced modeling of protein sequence and biophysical properties (such as structural, functional, and spatial information, amino acid conservation, physicochemical variation, residue mobility, and thermodynamic stability) performed at Invitae indicates that this missense variant is not expected to disrupt DSC2 protein function. ClinVar contains an entry for this variant (Variation ID: 264192). This variant has not been reported in the literature in individuals affected with DSC2-related conditions. This sequence change replaces isoleucine, which is neutral and non-polar, with valine, which is neutral and non-polar, at codon 233 of the DSC2 protein (p.Ile233Val).

Ambry Genetics
Classification: Uncertain significance for Cardiovascular phenotype. Last evaluated: 2015-07-21. Review status: criteria provided, single submitter. Criteria: Ambry Variant Classification Scheme 2023. Collection method: clinical testing. Allele origin: germline.
Comment: The p.I233V variant (also known as c.697A>G), located in coding exon 6 of the DSC2 gene, results from an A to G substitution at nucleotide position 697. The isoleucine at codon 233 is replaced by valine, an amino acid with highly similar properties. This variant was not reported in population based cohorts in the following databases: Database of Single Nucleotide Polymorphisms (dbSNP), NHLBI Exome Sequencing Project (ESP), the Exome Aggregation Consortium (ExAC) and 1000 Genomes Project. In the ESP, this variant was not observed in 6503 samples (13006 alleles) with coverage at this position. This amino acid position is not well conserved in available vertebrate species. In addition, this alteration is predicted to be tolerated by in silico analysis. Since supporting evidence for this variant is limited at this time, its clinical significance is unclear.